The following is an entry in ClinVar:

NM_005879.3(TRAIP):c.687G>A (p.Leu229=)

Gene: TRAIP (TRAF interacting protein; minus strand). Cytogenetic location: 3p21.31.
Variant type: single nucleotide variant.
Coding change: c.687G>A on transcript NM_005879.3 (MANE Select); coding-DNA position 687, G replaced by A.
Protein change: p.Leu229=; no amino-acid change (leucine 229 retained).
Molecular consequence: synonymous variant.
Genome position (GRCh38, 1-based): chr3:49,841,003, C>T on the plus strand (G>A on the coding strand, the complement: TRAIP is on the minus strand). VCF-style: chr3-49841003-C-T. GRCh37 (hg19) VCF-style: chr3-49878436-C-T.
Identifiers: ClinVar variation 4281133 (VCV004281133.7).

ClinVar aggregate classification (germline): Likely benign (1 of 4 stars; one submission).

gnomAD v4.1: 3 of 1,614,182 alleles (0.00019%); highest among the groups gnomAD compares: Admixed American, 0.0017%; no homozygotes.

Submission:

CeGaT Center for Human Genetics Tuebingen
Classification: Likely benign. Last evaluated: 2025-09-01. Review status: criteria provided, single submitter. Criteria: CeGaT Center For Human Genetics Tuebingen Variant Classification Criteria Version 2. Collection method: clinical testing. Allele origin: germline. Affected: yes. Observed: 1 variant allele.
Comment: TRAIP: BP4, BP7